The following is an entry in ClinVar:

ClinVar aggregate classification (germline): Uncertain significance. Review status: criteria provided, multiple submitters, no conflicts (2 of 4 stars). 3 submissions from 3 submitters: Uncertain significance (3). Last evaluated 2026-01-01.

Conditions:
Inborn genetic diseases. Identifiers: MedGen C0950123, MeSH D030342.
GFM1-related disorder. Also called: GFM1-related condition.

Allele frequency attached by ClinVar (database versions not stated): gnomAD exomes below 0.00001; gnomAD 0.00001; TOPMed 0.00001; ExAC 0.00002.
gnomAD v4.1: 11 of 1,492,348 alleles (0.00074%); highest among the groups gnomAD compares: Admixed American, 0.0033%; no homozygotes.

Submissions (3):

PreventionGenetics, part of Exact Sciences
Classification: Uncertain significance for GFM1-related condition. Last evaluated: 2026-01-01. Review status: criteria provided, single submitter. Criteria: ACMG Guidelines, 2015. Collection method: clinical testing. Allele origin: germline.
Comment: The GFM1 c.662G>A variant is predicted to result in the amino acid substitution p.Arg221Gln. To our knowledge, this variant has not been reported in the literature. This variant is reported in 0.0029% of alleles in individuals of Latino descent in gnomAD. At this time, the clinical significance of this variant is uncertain due to the absence of conclusive functional and genetic evidence.

Ambry Genetics
Classification: Uncertain significance for Inborn genetic diseases. Last evaluated: 2024-12-05. Review status: criteria provided, single submitter. Criteria: Ambry Variant Classification Scheme 2023. Collection method: clinical testing. Allele origin: germline.

Labcorp Genetics (formerly Invitae), Labcorp
Classification: Uncertain significance. Last evaluated: 2022-04-19. Review status: criteria provided, single submitter. Criteria: Invitae Variant Classification Sherloc (09022015). Collection method: clinical testing. Allele origin: germline.
Comment: This sequence change replaces arginine, which is basic and polar, with glutamine, which is neutral and polar, at codon 221 of the GFM1 protein (p.Arg221Gln). This variant is present in population databases (rs747846743, gnomAD 0.003%). This variant has not been reported in the literature in individuals affected with GFM1-related conditions. Advanced modeling of protein sequence and biophysical properties (such as structural, functional, and spatial information, amino acid conservation, physicochemical variation, residue mobility, and thermodynamic stability) performed at Invitae indicates that this missense variant is not expected to disrupt GFM1 protein function. In summary, the available evidence is currently insufficient to determine the role of this variant in disease. Therefore, it has been classified as a Variant of Uncertain Significance.

NM_024996.7(GFM1):c.662G>A (p.Arg221Gln)

Gene: GFM1 (G elongation factor mitochondrial 1; plus strand). Cytogenetic location: 3q25.32.
Variant type: single nucleotide variant.
Coding change: c.662G>A on transcript NM_024996.7 (MANE Select); coding-DNA position 662, G replaced by A.
Protein change: p.Arg221Gln; replaces arginine 221 with glutamine.
Molecular consequence: missense variant. On other transcripts: non-coding transcript variant (2), intron variant (3).
Genome position (GRCh38, 1-based): chr3:158,649,130, G>A. VCF-style: chr3-158649130-G-A. GRCh37 (hg19) VCF-style: chr3-158366919-G-A.
Other names: c.662G>A (NM_024996.5, NM_001308164.1); c.662G>A, p.Arg221Gln (NM_001308164.2, NM_001308166.2, NM_001374355.1); c.437G>A, p.Arg146Gln (NM_001374357.1); c.95G>A, p.Arg32Gln (NM_001374359.1, NM_001374360.1); c.572+2183G>A (NM_001374356.1); c.6-2966G>A (NM_001374361.1); c.235-2970G>A (NM_001374358.1); short protein forms R32Q, R221Q, R146Q.
Identifiers: ClinVar variation 2160480 (VCV002160480.3), dbSNP rs747846743, ClinGen allele CA2682379.